The following is an entry in ClinVar:

NM_004260.4(RECQL4):c.82C>A (p.Gln28Lys)

Genes: RECQL4 (RecQ like helicase 4; minus strand), LOC130001411 (ATAC-STARR-seq lymphoblastoid silent region 19699; plus strand). Cytogenetic location: 8q24.3.
Variant type: single nucleotide variant.
Coding change: c.82C>A on transcript NM_004260.4 (MANE Select); coding-DNA position 82, C replaced by A.
Protein change: p.Gln28Lys; replaces glutamine 28 with lysine.
Molecular consequence: missense variant.
Genome position (GRCh38, 1-based): chr8:144,517,703, G>T on the plus strand (C>A on the coding strand, the complement: RECQL4 is on the minus strand). VCF-style: chr8-144517703-G-T. GRCh37 (hg19) VCF-style: chr8-145743087-G-T.
Other names: short protein forms Q28K.
Identifiers: ClinVar variation 407022 (VCV000407022.1), dbSNP rs794726912, ClinGen allele CA16612304.

ClinVar aggregate classification (germline): Uncertain significance (1 of 4 stars; one submission).

Conditions:
Baller-Gerold syndrome (BGS). Also called: CRANIOSYNOSTOSIS WITH RADIAL DEFECTS. Identifiers: Orphanet 1225, MedGen C0265308, MONDO:0009039, OMIM 218600.

Submission:

Labcorp Genetics (formerly Invitae), Labcorp
Classification: Uncertain significance for Baller-Gerold syndrome. Last evaluated: 2016-12-11. Review status: criteria provided, single submitter. Criteria: Invitae Variant Classification Sherloc (09022015). Collection method: clinical testing. Allele origin: germline.
Comment: This sequence change replaces glutamine with lysine at codon 28 of the RECQL4 protein (p.Gln28Lys). The glutamine residue is weakly conserved and there is a small physicochemical difference between glutamine and lysine. While this variant is not present in population databases, the frequency information is unreliable, as metrics indicate poor data quality at this position in the ExAC database. Algorithms developed to predict the effect of missense changes on protein structure and function output the following: (SIFT: "Tolerated"; PolyPhen-2: "Benign"; Align-GVGD: "Class 0"). The lysine amino acid residue is found in multiple mammalian species, suggesting that this missense change does not adversely affect protein function. These predictions have not been confirmed by published functional studies. In summary, this variant is a novel missense change that is not predicted to affect protein function. There is no indication that it causes disease, but the available evidence is currently insufficient to prove that conclusively. Therefore, it has been classified as a Variant of Uncertain Significance.